The following is an entry in ClinVar:

ClinVar aggregate classification (germline): Pathogenic (1 of 4 stars; one submission).

Conditions:
Duchenne muscular dystrophy (DMD). Also called: MUSCULAR DYSTROPHY, PSEUDOHYPERTROPHIC PROGRESSIVE, DUCHENNE TYPE; Duchenne Muscular Dystrophy (DMD). Identifiers: Orphanet 98896, MedGen C0013264, MONDO:0010679, OMIM 310200.

Submission:

Labcorp Genetics (formerly Invitae), Labcorp
Classification: Pathogenic for Duchenne muscular dystrophy. Last evaluated: 2023-10-17. Review status: criteria provided, single submitter. Criteria: Invitae Variant Classification Sherloc (09022015). Collection method: clinical testing. Allele origin: germline.
Comment: This sequence change creates a premature translational stop signal (p.Gln2491Lysfs*3) in the DMD gene. It is expected to result in an absent or disrupted protein product. Loss-of-function variants in DMD are known to be pathogenic (PMID: 16770791, 25007885). This variant is not present in population databases (gnomAD no frequency). This variant has not been reported in the literature in individuals affected with DMD-related conditions. For these reasons, this variant has been classified as Pathogenic.

Literature cited by the submitters: PubMed 16770791; PubMed 25007885.

NM_004006.3(DMD):c.7471del (p.Gln2491fs)

Gene: DMD (dystrophin; minus strand). Cytogenetic location: Xp21.1.
Variant type: Deletion.
Coding change: c.7471del on transcript NM_004006.3 (MANE Select); coding-DNA position 7471, one base deleted (C; older notation c.7471delC).
Protein change: p.Gln2491fs; shifts the reading frame from glutamine 2491.
Molecular consequence: frameshift variant.
Genome position (GRCh38, 1-based): chrX:31,774,031, G deleted on the plus strand (C on the coding strand, the reverse complement: DMD is on the minus strand). VCF-style (leftmost placement, unchanged base first): chrX-31774030-TG-T. GRCh37 (hg19) VCF-style: chrX-31792147-TG-T.
Other names: c.7447del, p.Gln2483fs (NM_000109.4); c.7459del, p.Gln2487fs (NM_004009.3); c.7102del, p.Gln2368fs (NM_004010.3); c.3448del, p.Gln1150fs (NM_004011.4); c.3439del, p.Gln1147fs (NM_004012.4); c.91del, p.Gln31fs (NM_004013.3, NM_004020.4, NM_004021.3 and 2 more transcripts); short protein forms Q2487fs, Q2491fs, Q1150fs, Q2368fs, Q2483fs, Q31fs, Q1147fs.
Identifiers: ClinVar variation 2769611 (VCV002769611.3), dbSNP rs2530838642, ClinGen allele CA2697552931.